The following is an entry in ClinVar:

ClinVar aggregate classification (germline): Benign/Likely benign. Review status: criteria provided, multiple submitters, no conflicts (2 of 4 stars). 3 submissions from 3 submitters: Benign (1); Likely benign (1). 1 of the submissions does not count toward it. Last evaluated 2025-10-13.

Conditions:
KMT2C-related disorder. Also called: KMT2C-related condition; KMT2C-related disorders.

Allele frequency attached by ClinVar (database versions not stated): gnomAD exomes 0.00011 and 0.00027; ExAC 0.00033; 1000 Genomes Project 0.00060; 1000 Genomes Project 30x 0.00062; ESP Exome Variant Server 0.00100; gnomAD 0.00103 and 0.00109; TOPMed 0.00119.
gnomAD v4.1: 319 of 1,613,016 alleles (0.02%); highest among the groups gnomAD compares: African/African-American, 0.29%; no homozygotes.

Submissions (3):

Labcorp Genetics (formerly Invitae), Labcorp
Classification: Benign. Last evaluated: 2025-10-13. Review status: criteria provided, single submitter. Criteria: Invitae Variant Classification Sherloc (09022015). Collection method: clinical testing. Allele origin: germline.

Blueprint Genetics
Classification: Likely benign. Last evaluated: 2023-06-19. Review status: criteria provided, single submitter. Criteria: ACMG Guidelines, 2015. Collection method: clinical testing. Allele origin: germline.

PreventionGenetics, part of Exact Sciences
Classification: Likely benign for KMT2C-related condition. Last evaluated: 2024-01-12. Review status: no assertion criteria provided. Collection method: clinical testing. Allele origin: germline. Not counted in ClinVar's aggregate classification.
Comment: This variant is classified as likely benign based on ACMG/AMP sequence variant interpretation guidelines (Richards et al. 2015 PMID: 25741868, with internal and published modifications).

NM_170606.3(KMT2C):c.816C>T (p.Asn272=)

Gene: KMT2C (lysine methyltransferase 2C; minus strand). Cytogenetic location: 7q36.1.
Variant type: single nucleotide variant.
Coding change: c.816C>T on transcript NM_170606.3 (MANE Select); coding-DNA position 816, C replaced by T.
Protein change: p.Asn272=; no amino-acid change (asparagine 272 retained).
Molecular consequence: synonymous variant.
Genome position (GRCh38, 1-based): chr7:152,309,999, G>A on the plus strand (C>T on the coding strand, the complement: KMT2C is on the minus strand). VCF-style: chr7-152309999-G-A. GRCh37 (hg19) VCF-style: chr7-152007084-G-A.
Other names: c.816C>T (NM_170606.2).
Identifiers: ClinVar variation 1555490 (VCV001555490.11), dbSNP rs143544942, ClinGen allele CA4581628.
Genomic context (GRCh38, chr7:152,309,999, plus strand): 5'-ATTTAAATATTTGCTTTGTCTACTTACTTCTGTGCTCCCTGAGACAACAGCTTTGTCCAC[G>A]TTCACTAACAATGGTTCTTCCATCTGGCATACTCCTAGTGACCACTCCACACAACGGTGA-3'
Protein context (NP_733751.2, residues 262-282): VCQMEEPLLV[Asn272=]VDKAVVSGST